The following is an entry in ClinVar:

NM_014989.7(RIMS1):c.632G>A (p.Arg211Gln)

Gene: RIMS1 (regulating synaptic membrane exocytosis 1; plus strand). Cytogenetic location: 6q13.
Variant type: single nucleotide variant.
Coding change: c.632G>A on transcript NM_014989.7 (MANE Select); coding-DNA position 632, G replaced by A.
Protein change: p.Arg211Gln; replaces arginine 211 with glutamine.
Molecular consequence: missense variant.
Genome position (GRCh38, 1-based): chr6:72,179,735, G>A. VCF-style: chr6-72179735-G-A. GRCh37 (hg19) VCF-style: chr6-72889438-G-A.
Other names: short protein forms R211Q.
Identifiers: ClinVar variation 1461025 (VCV001461025.6), dbSNP rs765005045, ClinGen allele CA3885558.

ClinVar aggregate classification (germline): Uncertain significance (1 of 4 stars; one submission).

Allele frequency attached by ClinVar (database versions not stated): gnomAD exomes below 0.00001 and 0.00001; ExAC 0.00001; gnomAD 0.00002; TOPMed 0.00002.

Submission:

Labcorp Genetics (formerly Invitae), Labcorp
Classification: Uncertain significance. Last evaluated: 2024-11-11. Review status: criteria provided, single submitter. Criteria: Invitae Variant Classification Sherloc (09022015). Collection method: clinical testing. Allele origin: germline.
Comment: This sequence change replaces arginine, which is basic and polar, with glutamine, which is neutral and polar, at codon 211 of the RIMS1 protein (p.Arg211Gln). This variant is present in population databases (rs765005045, gnomAD 0.003%). This variant has not been reported in the literature in individuals affected with RIMS1-related conditions. ClinVar contains an entry for this variant (Variation ID: 1461025). An algorithm developed to predict the effect of missense changes on protein structure and function (PolyPhen-2) suggests that this variant is likely to be disruptive. In summary, the available evidence is currently insufficient to determine the role of this variant in disease. Therefore, it has been classified as a Variant of Uncertain Significance.